The following is an entry in ClinVar:

ClinVar aggregate classification (germline): Conflicting classifications of pathogenicity. Review status: criteria provided, conflicting classifications (1 of 4 stars). 2 submissions from 2 submitters: Pathogenic (1); Uncertain significance (1). Last evaluated 2019-12-03.

Conditions:
Aortic valve disease 2 (AOVD2). Identifiers: MedGen C3542024, MONDO:0013902, OMIM 614823.

Submissions (2):

GeneDx
Classification: Uncertain significance. Last evaluated: 2019-12-03. Review status: criteria provided, single submitter. Criteria: GeneDx Variant Classification Process June 2021. Collection method: clinical testing. Allele origin: germline. Affected: yes.
Comment: Not observed in large population cohorts (Lek et al., 2016); In silico analysis, which includes protein predictors and evolutionary conservation, supports a deleterious effect; Has not been previously published as pathogenic or benign to our knowledge

Labcorp Genetics (formerly Invitae), Labcorp
Classification: Pathogenic for Aortic valve disease 2. Last evaluated: 2019-07-24. Review status: criteria provided, single submitter. Criteria: Invitae Variant Classification Sherloc (09022015). Collection method: clinical testing. Allele origin: germline.
Comment: This sequence change replaces glycine with glutamic acid at codon 80 of the TBX5 protein (p.Gly80Glu). The glycine residue is highly conserved and there is a moderate physicochemical difference between glycine and glutamic acid. This variant is not present in population databases (ExAC no frequency). Algorithms developed to predict the effect of missense changes on protein structure and function are either unavailable or do not agree on the potential impact of this missense change (SIFT: "Deleterious"; PolyPhen-2: "Probably Damaging"; Align-GVGD: "Class C0"). This variant disrupts the Gly80 amino acid residue in TBX5. Other variant(s) that disrupt this residue have been determined to be pathogenic (PMID: 12499378, 19648116, 10077612). This suggests that this residue is clinically significant, and that variants that disrupt this residue are likely to be disease-causing. For these reasons, this variant has been classified as Pathogenic.

Literature cited by the submitters: PubMed 10077612 (cited by Labcorp Genetics (formerly Invitae), Labcorp); PubMed 12499378 (cited by Labcorp Genetics (formerly Invitae), Labcorp); PubMed 19648116 (cited by Labcorp Genetics (formerly Invitae), Labcorp).

NM_181486.4(TBX5):c.239G>A (p.Gly80Glu)

Gene: TBX5 (T-box transcription factor 5; minus strand). Cytogenetic location: 12q24.21.
Variant type: single nucleotide variant.
Coding change: c.239G>A on transcript NM_181486.4 (MANE Select); coding-DNA position 239, G replaced by A.
Protein change: p.Gly80Glu; replaces glycine 80 with glutamic acid.
Molecular consequence: missense variant.
Genome position (GRCh38, 1-based): chr12:114,401,829, C>T on the plus strand (G>A on the coding strand, the complement: TBX5 is on the minus strand). VCF-style: chr12-114401829-C-T. GRCh37 (hg19) VCF-style: chr12-114839634-C-T.
Other names: c.239G>A, p.Gly80Glu (NM_000192.3); c.89G>A, p.Gly30Glu (NM_080717.4); short protein forms G80E, G30E.
Identifiers: ClinVar variation 861408 (VCV000861408.3), dbSNP rs1871830806, ClinGen allele CA386862962.
Genomic context (GRCh38, chr12:114,401,829, plus strand): 5'-CTTCACCTCTCCCACAATTTCTCCTCGTCCCTCTCTCTACACAACAAACCATCTCACCTT[C>T]CAGCCTTGGTTATGATCATTTCCGTGCCCACTTCGTGGAATTTTAGCCACAGTTCTCTTT-3'
Protein context (NP_852259.1, residues 70-90): VGTEMIITKA[Gly80Glu]RRMFPSYKVK